The following is an entry in ClinVar:

ClinVar aggregate classification (germline): Uncertain significance (1 of 4 stars; one submission).

Conditions:
Inborn genetic diseases. Identifiers: MedGen C0950123, MeSH D030342.

Submission:

Ambry Genetics
Classification: Uncertain significance for Inborn genetic diseases. Last evaluated: 2024-10-29. Review status: criteria provided, single submitter. Criteria: Ambry Variant Classification Scheme 2023. Collection method: clinical testing. Allele origin: germline.
Comment: The p.T347I variant (also known as c.1040C>T), located in coding exon 8 of the BUB1B gene, results from a C to T substitution at nucleotide position 1040. The threonine at codon 347 is replaced by isoleucine, an amino acid with similar properties. This amino acid position is conserved. In addition, this alteration is predicted to be tolerated by in silico analysis. Based on the available evidence, the clinical significance of this variant remains unclear.

NM_001211.6(BUB1B):c.1040C>T (p.Thr347Ile)

Gene: BUB1B (BUB1 mitotic checkpoint serine/threonine kinase B; plus strand). Cytogenetic location: 15q15.1.
Variant type: single nucleotide variant.
Coding change: c.1040C>T on transcript NM_001211.6 (MANE Select); coding-DNA position 1040, C replaced by T.
Protein change: p.Thr347Ile; replaces threonine 347 with isoleucine.
Molecular consequence: missense variant.
Genome position (GRCh38, 1-based): chr15:40,185,624, C>T. VCF-style: chr15-40185624-C-T. GRCh37 (hg19) VCF-style: chr15-40477825-C-T.
Other names: short protein forms T347I.
Identifiers: ClinVar variation 3483134 (VCV003483134.1).